The following is an entry in ClinVar:

ClinVar aggregate classification (germline): Likely pathogenic (1 of 4 stars; one submission).

Submission:

Quest Diagnostics Nichols Institute San Juan Capistrano
Classification: Likely pathogenic. Last evaluated: 2024-11-22. Review status: criteria provided, single submitter. Criteria: Quest Diagnostics criteria. Collection method: clinical testing. Allele origin: unknown.
Comment: The NBN c.1051A>T (p.Lys351*) variant is predicted to cause the premature termination of NBN protein synthesis. This variant has not been reported in individuals with NBN-related conditions in the published literature. This variant has not been reported in large, multi-ethnic general populations (Genome Aggregation Database). Based on the available information, this variant is classified as likely pathogenic for Nijmegen Breakage syndrome. However, due to unsupported NBN heterozygote risk association with cancer, this variant is classified as a variant of uncertain significance for cancer.

NM_002485.5(NBN):c.1051A>T (p.Lys351Ter)

Gene: NBN (nibrin; minus strand). Cytogenetic location: 8q21.3.
Variant type: single nucleotide variant.
Coding change: c.1051A>T on transcript NM_002485.5 (MANE Select); coding-DNA position 1051, A replaced by T.
Protein change: p.Lys351Ter; replaces lysine 351 with a stop codon.
Molecular consequence: nonsense.
Genome position (GRCh38, 1-based): chr8:89,958,798, T>A on the plus strand (A>T on the coding strand, the complement: NBN is on the minus strand). VCF-style: chr8-89958798-T-A. GRCh37 (hg19) VCF-style: chr8-90971026-T-A.
Other names: c.805A>T, p.Lys269Ter (NM_001024688.3); short protein forms K269*, K351*.
Identifiers: ClinVar variation 3572215 (VCV003572215.1).
Genomic context (GRCh38, chr8:89,958,798, plus strand): 5'-GCTCTGATTCTGTGTCAGCTACGTATGTTGTAGTGTTCACTGGGGCGCTTGGCATTAGTT[T>A]TTCATCAACTGACACGCCTTGTGAAAGGCTTGGTCCTGGAGTTGTTGTCTTTAATCCTGT-3'